The following is an entry in ClinVar:

ClinVar aggregate classification (germline): Likely benign. Review status: reviewed by expert panel (3 of 4 stars). 11 submissions from 11 submitters: Likely benign (1). 10 of the submissions do not count toward it. Last evaluated 2023-08-18.

Conditions:
CDH1-related disorder. Also called: CDH1-related condition.
CDH1-related diffuse gastric and lobular breast cancer syndrome. Also called: CDH1-related diffuse gastric and lobular breast cancer. Identifiers: MedGen CN311521, MONDO:0100488.
Hereditary diffuse gastric adenocarcinoma (HDGC). Also called: DIFFUSE GASTRIC AND LOBULAR BREAST CANCER SYNDROME. Identifiers: Orphanet 26106, MedGen C1708349, MONDO:0007648, OMIM 137215.
Hereditary cancer-predisposing syndrome. Also called: Tumor predisposition; Hereditary Cancer Syndrome; Neoplastic Syndromes, Hereditary; Hereditary neoplastic syndrome. Identifiers: Orphanet 140162, MedGen C0027672, MeSH D009386, MONDO:0015356.

Allele frequency attached by ClinVar (database versions not stated): gnomAD 0.00001; TOPMed 0.00003.
gnomAD v4.1: 7 of 1,548,690 alleles (0.00045%); highest among the groups gnomAD compares: Non-Finnish European, 0.00052%; no homozygotes.

Submissions (11):

Clingen Gastric Cancer Variant Curation Expert Panel
Classification: Likely benign for CDH1-related diffuse gastric and lobular breast cancer syndrome. Last evaluated: 2023-08-18. Review status: reviewed by expert panel. Criteria: ClinGen CDH1 ACMG Specifications V3.1. Collection method: curation. Allele origin: germline. Inheritance: Autosomal dominant inheritance.
Comment: The c.150C>A (p.Arg50=) results in a synonymous amino acid change in exon 2. This variant was found in 1 of 153,336 alleles in gnomAD (0.00001) (PM2_Supporting). However, This variant has also been observed in more than 10 individuals without DGC, SRC tumours or LBC and whose families do not suggest HDGC (BS2; SCV000665066.2; SCV000288437.6; SCV000976762.1). This variant occurs at a position that is poorly conserved and multiple computational tools predict that this variant does not impact splicing (BP4, BP7). In summary, this variant meets criteria to be classified as likely benign based on ACMG/AMP criteria applied as specified by the CDH1 Variant Curation Expert Panel: BS2, BP4, BP7, PM2_Supporting.

Labcorp Genetics (formerly Invitae), Labcorp
Classification: Likely benign for Hereditary diffuse gastric adenocarcinoma. Last evaluated: 2025-11-26. Review status: criteria provided, single submitter. Criteria: Invitae Variant Classification Sherloc (09022015). Collection method: clinical testing. Allele origin: germline. Not counted in ClinVar's aggregate classification.

Myriad Genetics, Inc.
Classification: Benign for Hereditary diffuse gastric adenocarcinoma. Last evaluated: 2024-09-11. Review status: criteria provided, single submitter. Criteria: Myriad Autosomal Dominant, Autosomal Recessive and X-Linked Classification Criteria (2023). Collection method: clinical testing. Allele origin: unknown. Not counted in ClinVar's aggregate classification.
Comment: This variant is considered benign. This variant is a silent/synonymous amino acid change and it is not expected to impact splicing.

European Reference Network on Genetic Tumour Risk Syndromes (ERN-GENTURIS), i3s - Instituto de Investigação e Inovação em Saúde, University of Porto
Classification: Likely benign for Hereditary diffuse gastric adenocarcinoma. Last evaluated: 2022-08-01. Review status: criteria provided, single submitter. Criteria: Lee et al. (Hum Mutat. 2018). Collection method: clinical testing. Allele origin: germline. Inheritance: Autosomal dominant inheritance. Study: ERN GENTURIS. Not counted in ClinVar's aggregate classification.
Comment: PM2; BS2; BP7; BP4 (PMID: 30311375)

Women's Health and Genetics/Laboratory Corporation of America, LabCorp
Classification: Likely benign. Last evaluated: 2019-08-28. Review status: criteria provided, single submitter. Criteria: LabCorp Variant Classification Summary - May 2015. Collection method: clinical testing. Allele origin: germline. Not counted in ClinVar's aggregate classification.

CeGaT Center for Human Genetics Tuebingen
Classification: Likely benign. Last evaluated: 2019-04-01. Review status: criteria provided, single submitter. Criteria: CeGaT Center For Human Genetics Tuebingen Variant Classification Criteria Version 2. Collection method: clinical testing. Allele origin: germline. Affected: yes. Observed: 1 variant allele. Not counted in ClinVar's aggregate classification.

GeneDx
Classification: Likely benign. Last evaluated: 2018-04-17. Review status: criteria provided, single submitter. Criteria: GeneDx Variant Classification (06012015). Collection method: clinical testing. Allele origin: germline. Affected: yes. Not counted in ClinVar's aggregate classification.
Comment: This variant is considered likely benign or benign based on one or more of the following criteria: it is a conservative change, it occurs at a poorly conserved position in the protein, it is predicted to be benign by multiple in silico algorithms, and/or has population frequency not consistent with disease.

Illumina Laboratory Services, Illumina
Classification: Uncertain significance for Hereditary diffuse gastric adenocarcinoma. Last evaluated: 2018-01-13. Review status: criteria provided, single submitter. Criteria: ICSL Variant Classification Criteria 13 December 2019. Collection method: clinical testing. Allele origin: germline. Not counted in ClinVar's aggregate classification.

Color Diagnostics, LLC DBA Color Health
Classification: Likely benign for Hereditary cancer-predisposing syndrome. Last evaluated: 2017-06-22. Review status: criteria provided, single submitter. Criteria: ACMG Guidelines, 2015. Collection method: clinical testing. Allele origin: germline. Not counted in ClinVar's aggregate classification.

Ambry Genetics
Classification: Likely benign for Hereditary cancer-predisposing syndrome. Last evaluated: 2016-01-15. Review status: criteria provided, single submitter. Criteria: Ambry Variant Classification Scheme 2023. Collection method: clinical testing. Allele origin: germline. Not counted in ClinVar's aggregate classification.

PreventionGenetics, part of Exact Sciences
Classification: Likely benign for CDH1-related condition. Last evaluated: 2020-09-01. Review status: no assertion criteria provided. Collection method: clinical testing. Allele origin: germline. Not counted in ClinVar's aggregate classification.
Comment: This variant is classified as likely benign based on ACMG/AMP sequence variant interpretation guidelines (Richards et al. 2015 PMID: 25741868, with internal and published modifications).

Literature cited by the submitters: PubMed 36436516 (cited by European Reference Network on Genetic Tumour Risk Syndromes (ERN-GENTURIS), i3s - Instituto de Investigação e Inovação em Saúde, University of Porto).

NM_004360.5(CDH1):c.150C>A (p.Arg50=)

Gene: CDH1 (cadherin 1; plus strand). Cytogenetic location: 16q22.1.
Variant type: single nucleotide variant.
Coding change: c.150C>A on transcript NM_004360.5 (MANE Select); coding-DNA position 150, C replaced by A.
Protein change: p.Arg50=; no amino-acid change (arginine 50 retained).
Molecular consequence: synonymous variant. On other transcripts: 5 prime UTR variant (2).
Genome position (GRCh38, 1-based): chr16:68,738,398, C>A. VCF-style: chr16-68738398-C-A. GRCh37 (hg19) VCF-style: chr16-68772301-C-A.
Other names: c.150C>A (LRG_301t1); c.150C>A, p.Arg50= (NM_001317184.2); c.-1466C>A (NM_001317185.2); c.-1670C>A (NM_001317186.2).
Identifiers: ClinVar variation 239883 (VCV000239883.69), dbSNP rs786201262, ClinGen allele CA10583402.